The following is an entry in ClinVar:

NM_014915.3(ANKRD26):c.326G>A (p.Cys109Tyr)

Gene: ANKRD26 (ankyrin repeat domain 26; minus strand). Cytogenetic location: 10p12.1.
Variant type: single nucleotide variant.
Coding change: c.326G>A on transcript NM_014915.3 (MANE Select); coding-DNA position 326, G replaced by A.
Protein change: p.Cys109Tyr; replaces cysteine 109 with tyrosine.
Molecular consequence: missense variant.
Genome position (GRCh38, 1-based): chr10:27,093,716, C>T on the plus strand (G>A on the coding strand, the complement: ANKRD26 is on the minus strand). VCF-style: chr10-27093716-C-T. GRCh37 (hg19) VCF-style: chr10-27382645-C-T.
Other names: c.326G>A, p.Cys109Tyr (NM_001256053.2); short protein forms C109Y.
Identifiers: ClinVar variation 3671091 (VCV003671091.3).
Genomic context (GRCh38, chr10:27,093,716, plus strand): 5'-TGATGCTGAAAGAGCTGGCTACTATATACCTTCATCAGAGCTGTCCTGTTTTCGTTGTCA[C>T]AGACATTGAGCTGGCATTTTCTGTCCACCAGGAGAGTTACTACTTCTGGATGACCATTGG-3'
Protein context (NP_055730.2, residues 99-119): LVDRKCQLNV[Cys109Tyr]DNENRTALMK

ClinVar aggregate classification (germline): Uncertain significance. Review status: criteria provided, multiple submitters, no conflicts (2 of 4 stars). 2 submissions from 2 submitters: Uncertain significance (2). Last evaluated 2025-01-13.

Conditions:
Inborn genetic diseases. Identifiers: MedGen C0950123, MeSH D030342.

gnomAD v4.1: 1 of 1,614,212 alleles (0.000062%); highest among the groups gnomAD compares: Admixed American, 0.0017%; no homozygotes.

Submissions (2):

Ambry Genetics
Classification: Uncertain significance for Inborn genetic diseases. Last evaluated: 2025-01-13. Review status: criteria provided, single submitter. Criteria: Ambry Variant Classification Scheme 2023. Collection method: clinical testing. Allele origin: germline.
Comment: The p.C109Y variant (also known as c.326G>A), located in coding exon 2 of the ANKRD26 gene, results from a G to A substitution at nucleotide position 326. The cysteine at codon 109 is replaced by tyrosine, an amino acid with highly dissimilar properties. This amino acid position is conserved. In addition, this alteration is predicted to be tolerated by in silico analysis. Based on the available evidence, the clinical significance of this variant remains unclear.

Labcorp Genetics (formerly Invitae), Labcorp
Classification: Uncertain significance. Last evaluated: 2024-02-20. Review status: criteria provided, single submitter. Criteria: Invitae Variant Classification Sherloc (09022015). Collection method: clinical testing. Allele origin: germline.
Comment: This sequence change replaces cysteine, which is neutral and slightly polar, with tyrosine, which is neutral and polar, at codon 109 of the ANKRD26 protein (p.Cys109Tyr). This variant is present in population databases (rs752680783, gnomAD 0.003%). This variant has not been reported in the literature in individuals affected with ANKRD26-related conditions. Algorithms developed to predict the effect of missense changes on protein structure and function output the following: SIFT: "Not Available"; PolyPhen-2: "Benign"; Align-GVGD: "Not Available". The tyrosine amino acid residue is found in multiple mammalian species, which suggests that this missense change does not adversely affect protein function. In summary, the available evidence is currently insufficient to determine the role of this variant in disease. Therefore, it has been classified as a Variant of Uncertain Significance.